The following is an entry in ClinVar:

ClinVar aggregate classification (germline): Uncertain significance (1 of 4 stars; one submission).

gnomAD v4.1: 1,291 of 1,614,086 alleles (0.08%); highest among the groups gnomAD compares: Non-Finnish European, 0.1%; 1 homozygote.

Submission:

Women's Health and Genetics/Laboratory Corporation of America, LabCorp
Classification: Uncertain significance. Last evaluated: 2026-02-06. Review status: criteria provided, single submitter. Criteria: LabCorp Variant Classification Summary - May 2015. Collection method: clinical testing. Allele origin: germline.
Comment: Variant summary: CTNNBL1 c.376G>C (p.Val126Leu) results in a conservative amino acid change in the encoded protein sequence. Algorithms developed to predict the effect of missense changes on protein structure and function are either unavailable or do not agree on the potential impact of this missense change. The variant allele was found at a frequency of 0.00052 in 251178 control chromosomes, predominantly at a frequency of 0.001 within the Non-Finnish European subpopulation in the gnomAD database, including one homozygote. This frequency is not significantly higher than estimated for disease-causing variants in CTNNBL1, allowing no conclusion about variant significance. c.376G>C has been observed in one individual affected with autosomal dominantly inherited microcephaly and developmental delay (Trinh_2018). The report does not provide unequivocal conclusions about association of the variant with Immunodeficiency 99 with hypogammaglobulinemia and autoimmune cytopenias. To our knowledge, no experimental evidence demonstrating an impact on protein function has been reported. The following publication have been ascertained in the context of this evaluation (PMID: 29899504). No submitters have cited clinical-significance assessments for this variant to ClinVar. Based on the evidence outlined above, the variant was classified as uncertain significance.

Literature cited by the submitters: PubMed 29899504.

NM_030877.5(CTNNBL1):c.376G>C (p.Val126Leu)

Gene: CTNNBL1 (catenin beta like 1; plus strand). Cytogenetic location: 20q11.23.
Variant type: single nucleotide variant.
Coding change: c.376G>C on transcript NM_030877.5 (MANE Select); coding-DNA position 376, G replaced by C.
Protein change: p.Val126Leu; replaces valine 126 with leucine.
Molecular consequence: missense variant.
Genome position (GRCh38, 1-based): chr20:37,746,517, G>C. VCF-style: chr20-37746517-G-C. GRCh37 (hg19) VCF-style: chr20-36374919-G-C.
Other names: c.295G>C, p.Val99Leu (NM_001281495.2); short protein forms V126L, V99L.
Identifiers: ClinVar variation 4848006 (VCV004848006.1).